The following is an entry in ClinVar:

ClinVar aggregate classification (germline): Uncertain significance (1 of 4 stars; one submission).

Conditions:
Hereditary cancer-predisposing syndrome. Also called: Neoplastic Syndromes, Hereditary; Tumor predisposition; Hereditary Cancer Syndrome; Hereditary neoplastic syndrome. Identifiers: Orphanet 140162, MedGen C0027672, MeSH D009386, MONDO:0015356.

Submission:

Ambry Genetics
Classification: Uncertain significance for Hereditary cancer-predisposing syndrome. Last evaluated: 2021-05-27. Review status: criteria provided, single submitter. Criteria: Ambry Variant Classification Scheme 2023. Collection method: clinical testing. Allele origin: germline.
Comment: The p.T34R variant (also known as c.101C>G), located in coding exon 1 of the CTNNA1 gene, results from a C to G substitution at nucleotide position 101. The threonine at codon 34 is replaced by arginine, an amino acid with similar properties. This amino acid position is highly conserved in available vertebrate species. In addition, the in silico prediction for this alteration is inconclusive. Since supporting evidence is limited at this time, the clinical significance of this alteration remains unclear.

NM_001903.5(CTNNA1):c.101C>G (p.Thr34Arg)

Gene: CTNNA1 (catenin alpha 1; plus strand). Cytogenetic location: 5q31.2.
Variant type: single nucleotide variant.
Coding change: c.101C>G on transcript NM_001903.5 (MANE Select); coding-DNA position 101, C replaced by G.
Protein change: p.Thr34Arg; replaces threonine 34 with arginine.
Molecular consequence: missense variant. On other transcripts: 5 prime UTR variant (2).
Genome position (GRCh38, 1-based): chr5:138,782,025, C>G. VCF-style: chr5-138782025-C-G. GRCh37 (hg19) VCF-style: chr5-138117714-C-G.
Other names: c.101C>G, p.Thr34Arg (NM_001323982.2, NM_001323983.1, NM_001323986.2 and 3 more transcripts); c.-13C>G (NM_001290309.3); c.-106C>G (NM_001290310.3); short protein forms T34R.
Identifiers: ClinVar variation 1754742 (VCV001754742.2), dbSNP rs2149652103, ClinGen allele CA361477239.